The following is an entry in ClinVar:

NM_004958.4(MTOR):c.5417A>G (p.His1806Arg)

Gene: MTOR (mechanistic target of rapamycin kinase; minus strand). Cytogenetic location: 1p36.22.
Variant type: single nucleotide variant.
Coding change: c.5417A>G on transcript NM_004958.4 (MANE Select); coding-DNA position 5417, A replaced by G.
Protein change: p.His1806Arg; replaces histidine 1806 with arginine.
Molecular consequence: missense variant.
Genome position (GRCh38, 1-based): chr1:11,130,725, T>C on the plus strand (A>G on the coding strand, the complement: MTOR is on the minus strand). VCF-style: chr1-11130725-T-C. GRCh37 (hg19) VCF-style: chr1-11190782-T-C.
Other names: c.5417A>G, p.His1806Arg (NM_001386500.1); c.4169A>G, p.His1390Arg (NM_001386501.1); short protein forms H1806R, H1390R.
Identifiers: ClinVar variation 2085616 (VCV002085616.4), dbSNP rs2100432701, ClinGen allele CA338398728.

ClinVar aggregate classification (germline): Uncertain significance (1 of 4 stars; one submission).

Submission:

Labcorp Genetics (formerly Invitae), Labcorp
Classification: Uncertain significance. Last evaluated: 2022-01-16. Review status: criteria provided, single submitter. Criteria: Invitae Variant Classification Sherloc (09022015). Collection method: clinical testing. Allele origin: germline.
Comment: This sequence change replaces histidine, which is basic and polar, with arginine, which is basic and polar, at codon 1806 of the MTOR protein (p.His1806Arg). In summary, the available evidence is currently insufficient to determine the role of this variant in disease. Therefore, it has been classified as a Variant of Uncertain Significance. Algorithms developed to predict the effect of sequence changes on RNA splicing suggest that this variant may create or strengthen a splice site. Advanced modeling of protein sequence and biophysical properties (such as structural, functional, and spatial information, amino acid conservation, physicochemical variation, residue mobility, and thermodynamic stability) performed at Invitae indicates that this missense variant is not expected to disrupt MTOR protein function. This variant has not been reported in the literature in individuals affected with MTOR-related conditions. This variant is not present in population databases (gnomAD no frequency).